The following continues an entry in ClinVar:

NM_000038.6(APC):c.847C>T (p.Arg283Ter)

Gene: APC. ClinVar aggregate classification (germline): Pathogenic. Pathogenic (1). ClinVar aggregate classification (oncogenicity): Oncogenic.

Submissions 9 to 19 of 19:

Ambry Genetics
Classification: Pathogenic for Hereditary cancer-predisposing syndrome. Last evaluated: 2023-11-14. Review status: criteria provided, single submitter. Criteria: Ambry Variant Classification Scheme 2023. Collection method: clinical testing. Allele origin: germline. Not counted in ClinVar's aggregate classification.
Comment: The p.R283* pathogenic mutation (also known as c.847C>T), located in coding exon 8 of the APC gene, results from a C to T substitution at nucleotide position 847. This changes the amino acid from an arginine to a stop codon within coding exon 8. This pathogenic variant has been detected in multiple families with familial adenomatous polyposis (FAP) across several ethnicities (Enomoto M et al. Jpn. J. Clin. Oncol. 2000 Feb;30:82-8; Mohamed Z et al. Cancer Sci. 2003 Aug;94:725-8; Friedl W et al. Hered. Cancer Clin. Pract, 2005 Sep;3:95-114; Rivera B et al. Ann. Oncol. 2011 Apr;22:903-9; de Oliveira JC et al. Cancer Med, 2019 05;8:2114-2122). This variant is considered to be rare based on population cohorts in the Genome Aggregation Database (gnomAD). In addition to the clinical data presented in the literature, this alteration is expected to result in loss of function by premature protein truncation or nonsense-mediated mRNA decay. As such, this alteration is interpreted as a disease-causing mutation.

Baylor Genetics
Classification: Pathogenic for Familial adenomatous polyposis 1. Last evaluated: 2023-08-22. Review status: criteria provided, single submitter. Criteria: ACMG Guidelines, 2015. Collection method: clinical testing. Allele origin: unknown. Not counted in ClinVar's aggregate classification.

Victorian Clinical Genetics Services, Murdoch Childrens Research Institute
Classification: Pathogenic for Familial adenomatous polyposis 1. Last evaluated: 2023-07-16. Review status: criteria provided, single submitter. Criteria: ACMG Guidelines, 2015. Collection method: clinical testing. Allele origin: germline. Inheritance: Autosomal dominant inheritance. Affected: yes. Not counted in ClinVar's aggregate classification.
Comment: Based on the classification scheme VCGS_Germline_v1.3.4, this variant is classified as Pathogenic. Following criteria are met: 0102 - Loss of function is a known mechanism of disease in this gene and is associated with familial adenomatous polyposis (FAP; MIM#175100). (I) 0107 - This gene is associated with autosomal dominant disease. (I) 0112 - The condition associated with this gene has incomplete penetrance in association with attenuated FAP, however classic FAP is reported to have complete penetrance (GeneReviews). (I) 0115 - Variants in this gene are known to have variable expressivity, with known intra and interfamilial variability (GeneReviews). (I) 0201 - Variant is predicted to cause nonsense-mediated decay (NMD) and loss of protein (premature termination codon is located at least 54 nucleotides upstream of the final exon-exon junction). (SP) 0251 - This variant is heterozygous. (I) 0301 - Variant is absent from gnomAD (both v2 and v3). (SP) 0701 - Other variants predicted to result in NMD comparable to the one identified in this case have very strong previous evidence for pathogenicity (DECIPHER). (SP) 0801 - This variant has strong previous evidence of pathogenicity in unrelated individuals with familial adenomatous polyposis (ClinVar). (SP) 1208 - Inheritance information for this variant is not currently available in this individual. (I) Legend: (SP) - Supporting pathogenic, (I) - Information, (SB) - Supporting benign

Myriad Genetics, Inc.
Classification: Pathogenic for Familial adenomatous polyposis 1. Last evaluated: 2023-04-27. Review status: criteria provided, single submitter. Criteria: Myriad Autosomal Dominant, Autosomal Recessive and X-Linked Classification Criteria (2023). Collection method: clinical testing. Allele origin: unknown. Not counted in ClinVar's aggregate classification.
Comment: This variant is considered pathogenic. This variant creates a termination codon and is predicted to result in premature protein truncation.

ARUP Laboratories, Molecular Genetics and Genomics, ARUP Laboratories
Classification: Pathogenic. Last evaluated: 2021-05-06. Review status: criteria provided, single submitter. Criteria: ARUP Molecular Germline Variant Investigation Process 2021. Collection method: clinical testing. Allele origin: germline. Not counted in ClinVar's aggregate classification.
Comment: The APC c.847C>T; p.Arg283Ter variant (rs786201856), is reported in the literature in multiple individuals, and segregates with disease in at least one family affected with familial adenomatous polyposis (Enomoto 2000, Friedl 2005, Miyaki 1994, Mohamed 2003, Nagase 1992, Olschwang 1993, Pang 2001, Rivera 2011, Torrezan 2013, van der Luijt 1997, Wallis 1999). This variant is also reported in ClinVar (Variation ID: 184999). This variant is absent from the Genome Aggregation Database, indicating it is not a common polymorphism. This variant induces an early termination codon and is predicted to result in a truncated protein or mRNA subject to nonsense-mediated decay. Based on available information, the p.Arg283Ter variant is considered to be pathogenic. References: Enomoto M et al. The relationship between frequencies of extracolonic manifestations and the position of APC germline mutation in patients with familial adenomatous polyposis. Jpn J Clin Oncol. 2000 Feb;30(2):82-8. Friedl W et al. Familial adenomatous polyposis: experience from a study of 1164 unrelated german polyposis patients. Hered Cancer Clin Pract. 2005 Sep 15;3(3):95-114. Miyaki M et al. Characteristics of somatic mutation of the adenomatous polyposis coli gene in colorectal tumors. Cancer Res. 1994 Jun 1;54(11):3011-20. Mohamed Z et al. A nonsense mutation in exon 8 of the APC gene (Arg283Ter) causes clinically variable FAP in a Malaysian Chinese family. Cancer Sci. 2003 Aug;94(8):725-8. Nagase H et al. Screening for germ-line mutations in familial adenomatous polyposis patients: 61 new patients and a summary of 150 unrelated patients. Hum Mutat. 1992;1(6):467-73. Olschwang S et al. Restriction of ocular fundus lesions to a specific subgroup of APC mutations in adenomatous polyposis coli patients. Cell. 1993 Dec 3;75(5):959-68. Pang CP et al. Congenital hypertrophy of the retinal pigment epithelium and APC mutations in Chinese with familial adenomatous polyposis. Ophthalmologica. 2001 Nov-Dec;215(6):408-11. Rivera B et al. Clinical and genetic characterization of classical forms of familial adenomatous polyposis: a Spanish population study. Ann Oncol. 2011 Apr;22(4):903-9. Torrezan GT et al. Mutational spectrum of the APC and MUTYH genes and genotype-phenotype correlations in Brazilian FAP, AFAP, and MAP patients. Orphanet J Rare Dis. 2013 Apr 5;8:54. van der Luijt RB et al. Molecular analysis of the APC gene in 105 Dutch kindreds with familial adenomatous polyposis: 67 germline mutations identified by DGGE, PTT, and southern analysis. Hum Mutat. 1997;9(1):7-16. Wallis YL et al. Molecular analysis of the APC gene in 205 families: extended genotype-phenotype correlations in FAP and evidence for the role of APC amino acid changes in colorectal cancer predisposition. J Med Genet. 1999 Jan;36(1):14-20.

Women's Health and Genetics/Laboratory Corporation of America, LabCorp
Classification: Pathogenic for Familial adenomatous polyposis. Last evaluated: 2019-04-22. Review status: criteria provided, single submitter. Criteria: LabCorp Variant Classification Summary - May 2015. Collection method: clinical testing. Allele origin: germline. Not counted in ClinVar's aggregate classification.
Comment: Variant summary: APC c.847C>T (p.Arg283X) results in a premature termination codon, predicted to cause a truncation of the encoded protein or absence of the protein due to nonsense mediated decay, which are commonly known mechanisms for disease. The variant was absent in 251064 control chromosomes (gnomAD). c.847C>T has been reported in the literature in multiple individuals affected with Familial Adenomatous Polyposis (Mohamed_2003, Nagase_1992, Friedl_2005). These data indicate that the variant is very likely to be associated with disease. To our knowledge, no experimental evidence demonstrating an impact on protein function has been reported. Four ClinVar submissions from clinical diagnostic laboratories (evaluation after 2014) cite the variant as pathogenic, along with one somatic submission also classifying the variant as pathogenic. Based on the evidence outlined above, the variant was classified as pathogenic.

Fulgent Genetics
Classification: Pathogenic for Colorectal cancer; Hepatocellular carcinoma; Desmoid disease, hereditary; Familial adenomatous polyposis 1; Gastric cancer. Last evaluated: 2018-10-31. Review status: criteria provided, single submitter. Criteria: ACMG Guidelines, 2015. Collection method: clinical testing. Allele origin: unknown. Not counted in ClinVar's aggregate classification.

GeneDx
Classification: Pathogenic. Last evaluated: 2015-07-28. Review status: criteria provided, single submitter. Criteria: GeneDx Variant Classification (06012015). Collection method: clinical testing. Allele origin: germline. Affected: yes. Not counted in ClinVar's aggregate classification.
Comment: This pathogenic variant is denoted APC c.847C>T at the cDNA level and p.Arg283Ter (R283X) at the protein level. The substitution creates a nonsense variant, which changes an Arginine to a premature stop codon (CGA>TGA), and is predicted to cause loss of normal protein function through either protein truncation or nonsense-mediated mRNA decay. This variant has been reported in several individuals with a clinical diagnosis of Familial Adenomatous Polyposis and is considered pathogenic (Nagase 1992, Friedl 2005, Torrezan 2013).

Genome Sciences Centre, British Columbia Cancer Agency
Classification: Oncogenic for Colorectal cancer. Last evaluated: 2016-07-11. Review status: no assertion criteria provided. Collection method: research. Allele origin: somatic. Affected: yes. Not counted in ClinVar's aggregate classification.

Department of Pathology and Laboratory Medicine, Sinai Health System
Classification: Pathogenic for Carcinoma of colon. Review status: no assertion criteria provided. Collection method: clinical testing. Allele origin: unknown. Affected: yes. Study: The Canadian Open Genetics Repository (COGR). Not counted in ClinVar's aggregate classification.
Comment: The APC p.Arg283X variant was identified in 13 of 9480 proband chromosomes (frequency: 0.001) from individuals or families with FAP (Kerr 2013, Friedl 2005, Aretz 2007, Hes 2007, Rivera 2011). The variant was also identified in ClinVar (as pathogenic by Ambry Genetics, Invitae and Mayo Clinic), Cosmic (32 x in large intestine, 1 x in biliary tract, adenocarcinoma), UMD-LSDB (35x), Insight Colon Cancer Gene Variant Database (pathogenicity was reported 49x), Zhejiang Colon Cancer Database (3 x as pathogenic). The variant was not identified in Genesight-COGR and MutDB databases. The variant was not identified the 1000 Genomes Project, the NHLBI GO Exome Sequencing Project or the Exome Aggregation Consortium (August 8th 2016) control databases. The p.Arg283X variant leads to a premature stop codon at position 283, which is predicted to lead to a truncated or absent protein and loss of function. Loss of function variants of the APC gene are an established mechanism of disease in FAP and is the type of variant expected to cause the disorder. In summary, based on the above information this variant meets our laboratory's criteria to be classified as pathogenic.

Mayo Clinic Laboratories, Mayo Clinic
Classification: Pathogenic. Review status: no assertion criteria provided. Collection method: clinical testing. Allele origin: unknown. Not counted in ClinVar's aggregate classification.

Literature cited by the submitters: PubMed 17963004 (cited by Labcorp Genetics (formerly Invitae), Labcorp and GeneKor MSA); PubMed 20685668 (cited by Labcorp Genetics (formerly Invitae), Labcorp and GeneKor MSA); PubMed 8187091 (cited by 3 submitters); PubMed 9950360 (cited by 4 submitters); PubMed 12901799 (cited by 5 submitters); PubMed 20223039 (cited by 5 submitters); PubMed 37577746 (cited by Quest Diagnostics Nichols Institute San Juan Capistrano); PubMed 33309985 (cited by Quest Diagnostics Nichols Institute San Juan Capistrano); PubMed 30897307 (cited by 3 submitters); PubMed 27443514 (cited by Quest Diagnostics Nichols Institute San Juan Capistrano); PubMed 8162022 (cited by 3 submitters); PubMed 1338764 (cited by 3 submitters); PubMed 20924072 (cited by Color Diagnostics, LLC DBA Color Health and Ambry Genetics); PubMed 23561487 (cited by Color Diagnostics, LLC DBA Color Health); PubMed 10768871 (cited by Ambry Genetics).